The following is an entry in ClinVar:

NM_001184.4(ATR):c.7427G>A (p.Arg2476His)

Gene: ATR (ATR checkpoint kinase; minus strand). Cytogenetic location: 3q23.
Variant type: single nucleotide variant.
Coding change: c.7427G>A on transcript NM_001184.4 (MANE Select); coding-DNA position 7427, G replaced by A.
Protein change: p.Arg2476His; replaces arginine 2476 with histidine.
Molecular consequence: missense variant.
Genome position (GRCh38, 1-based): chr3:142,459,034, C>T on the plus strand (G>A on the coding strand, the complement: ATR is on the minus strand). VCF-style: chr3-142459034-C-T. GRCh37 (hg19) VCF-style: chr3-142177876-C-T.
Other names: c.7235G>A, p.Arg2412His (NM_001354579.2); short protein forms R2412H, R2476H.
Identifiers: ClinVar variation 1034820 (VCV001034820.10), dbSNP rs777776233, ClinGen allele CA2649132.

ClinVar aggregate classification (germline): Uncertain significance. Review status: criteria provided, multiple submitters, no conflicts (2 of 4 stars). 5 submissions from 4 submitters: Uncertain significance (5). Last evaluated 2024-09-30.

Conditions:
Seckel syndrome 1 (SCKL1). Also called: MICROCEPHALIC PRIMORDIAL DWARFISM I. Identifiers: Orphanet 808, MedGen C4551474, MONDO:0008869, OMIM 210600.
Inborn genetic diseases. Identifiers: MedGen C0950123, MeSH D030342.
Familial cutaneous telangiectasia and oropharyngeal predisposition cancer syndrome. Identifiers: Orphanet 313846, MedGen C3281203, MONDO:0013806, OMIM 614564.

Allele frequency attached by ClinVar (database versions not stated): TOPMed below 0.00001; ExAC 0.00001; gnomAD 0.00001; gnomAD exomes 0.00001.
gnomAD v4.1: 10 of 1,613,848 alleles (0.00062%); highest among the groups gnomAD compares: South Asian, 0.0044%; no homozygotes.

Submissions (5):

Ambry Genetics
Classification: Uncertain significance for Inborn genetic diseases. Last evaluated: 2024-09-30. Review status: criteria provided, single submitter. Criteria: Ambry Variant Classification Scheme 2023. Collection method: clinical testing. Allele origin: germline.
Comment: The p.R2476H variant (also known as c.7427G>A), located in coding exon 44 of the ATR gene, results from a G to A substitution at nucleotide position 7427. The arginine at codon 2476 is replaced by histidine, an amino acid with highly similar properties. This amino acid position is conserved. In addition, this alteration is predicted to be deleterious by in silico analysis. Since supporting evidence is limited at this time, the clinical significance of this alteration remains unclear.

Blueprint Genetics
Classification: Uncertain significance. Last evaluated: 2024-03-12. Review status: criteria provided, single submitter. Criteria: ACMG Guidelines, 2015. Collection method: clinical testing. Allele origin: germline.

Genome-Nilou Lab
Classification: Uncertain significance for Seckel syndrome 1. Last evaluated: 2023-02-08. Review status: criteria provided, single submitter. Criteria: ACMG Guidelines, 2015. Collection method: clinical testing. Allele origin: germline.

Genome-Nilou Lab
Classification: Uncertain significance for Familial cutaneous telangiectasia and oropharyngeal predisposition cancer syndrome. Last evaluated: 2023-02-08. Review status: criteria provided, single submitter. Criteria: ACMG Guidelines, 2015. Collection method: clinical testing. Allele origin: germline.

Labcorp Genetics (formerly Invitae), Labcorp
Classification: Uncertain significance. Last evaluated: 2021-08-27. Review status: criteria provided, single submitter. Criteria: Invitae Variant Classification Sherloc (09022015). Collection method: clinical testing. Allele origin: germline.
Comment: This sequence change replaces arginine with histidine at codon 2476 of the ATR protein (p.Arg2476His). The arginine residue is highly conserved and there is a small physicochemical difference between arginine and histidine. This variant is present in population databases (rs777776233, ExAC 0.002%). This variant has not been reported in the literature in individuals affected with ATR-related conditions. Algorithms developed to predict the effect of missense changes on protein structure and function (SIFT, PolyPhen-2, Align-GVGD) all suggest that this variant is likely to be disruptive. In summary, the available evidence is currently insufficient to determine the role of this variant in disease. Therefore, it has been classified as a Variant of Uncertain Significance.